The following is an entry in ClinVar:

ClinVar aggregate classification (germline): Uncertain significance (1 of 4 stars; one submission).

Conditions:
Cerebral cavernous malformation (CCM). Also called: CAVERNOUS ANGIOMA, FAMILIAL; CAVERNOUS ANGIOMATOUS MALFORMATIONS; CEREBRAL CAPILLARY MALFORMATIONS; Cavernous Hemangioma of Brain; Cerebral cavernous malformations; Cerebral cavernous hemangioma (type). Identifiers: Orphanet 221061, MedGen C2919945, MONDO:0000820, OMIM 116860, HP:0033522.

Allele frequency attached by ClinVar (database versions not stated): gnomAD exomes 0.00001.
gnomAD v4.1: 9 of 1,574,842 alleles (0.00057%); highest among the groups gnomAD compares: Non-Finnish European, 0.00079%; no homozygotes.

Submission:

Labcorp Genetics (formerly Invitae), Labcorp
Classification: Uncertain significance for Cerebral cavernous malformation. Last evaluated: 2025-03-03. Review status: criteria provided, single submitter. Criteria: Invitae Variant Classification Sherloc (09022015). Collection method: clinical testing. Allele origin: germline.
Comment: This sequence change replaces tyrosine, which is neutral and polar, with histidine, which is basic and polar, at codon 605 of the KRIT1 protein (p.Tyr605His). This variant is present in population databases (no rsID available, gnomAD 0.0009%). This variant has not been reported in the literature in individuals affected with KRIT1-related conditions. ClinVar contains an entry for this variant (Variation ID: 1941939). Invitae Evidence Modeling of protein sequence and biophysical properties (such as structural, functional, and spatial information, amino acid conservation, physicochemical variation, residue mobility, and thermodynamic stability) indicates that this missense variant is not expected to disrupt KRIT1 protein function with a negative predictive value of 80%. In summary, the available evidence is currently insufficient to determine the role of this variant in disease. Therefore, it has been classified as a Variant of Uncertain Significance.

NM_194454.3(KRIT1):c.1813T>C (p.Tyr605His)

Gene: KRIT1 (KRIT1 ankyrin repeat containing; minus strand). Cytogenetic location: 7q21.2.
Variant type: single nucleotide variant.
Coding change: c.1813T>C on transcript NM_194454.3 (MANE Select); coding-DNA position 1813, T replaced by C.
Protein change: p.Tyr605His; replaces tyrosine 605 with histidine.
Molecular consequence: missense variant.
Genome position (GRCh38, 1-based): chr7:92,213,897, A>G on the plus strand (T>C on the coding strand, the complement: KRIT1 is on the minus strand). VCF-style: chr7-92213897-A-G. GRCh37 (hg19) VCF-style: chr7-91843211-A-G.
Other names: c.1669T>C, p.Tyr557His (NM_001013406.2, NM_001350669.1, NM_001350670.1); c.1099T>C, p.Tyr367His (NM_001350671.1); c.1813T>C, p.Tyr605His (NM_001350672.1, NM_001350673.1, NM_001350674.1 and 26 more transcripts); short protein forms Y367H, Y557H, Y605H.
Identifiers: ClinVar variation 1941939 (VCV001941939.5), dbSNP rs1444174236, ClinGen allele CA368140885.